The following is an entry in ClinVar:

NM_000368.5(TSC1):c.1448_1449dup (p.Arg484fs)

Gene: TSC1 (TSC complex subunit 1; minus strand). Cytogenetic location: 9q34.13.
Variant type: Duplication.
Coding change: c.1448_1449dup on transcript NM_000368.5 (MANE Select); coding-DNA positions 1448 to 1449, 2 bases duplicated (CT; older notation c.1448_1449dupCT).
Protein change: p.Arg484fs; shifts the reading frame from arginine 484.
Molecular consequence: frameshift variant. On other transcripts: non-coding transcript variant (5).
Genome position (GRCh38, 1-based): chr9:132,906,129-132,906,130, AG duplicated on the plus strand (CT on the coding strand, the reverse complement: TSC1 is on the minus strand); duplicating any 2 consecutive bases within chr9:132,906,129-132,906,131 gives the same sequence; the c. name uses the placement nearest the transcript's 3' end. VCF-style (leftmost placement, unchanged base first): chr9-132906128-T-TAG. GRCh37 (hg19) VCF-style: chr9-135781515-T-TAG.
Other names: c.1295_1296dup, p.Arg433fs (NM_001406610.1, NM_001162427.2); c.1292_1293dup, p.Arg432fs (NM_001406611.1, NM_001406612.1, NM_001406613.1); c.1085_1086dup, p.Arg363fs (NM_001406614.1, NM_001406615.1, NM_001406616.1 and 5 more transcripts); c.1082_1083dup, p.Arg362fs (NM_001406620.1, NM_001406621.1, NM_001406622.1 and 2 more transcripts); c.497_498dup, p.Arg167fs (NM_001406626.1); c.1448_1449dupCT (NM_000368.4); c.1445_1446dup, p.Arg483fs (NM_001162426.2, NM_001406597.1, NM_001406598.1 and 6 more transcripts); c.1448_1449dup, p.Arg484fs (NM_001406592.1, NM_001406593.1, NM_001406594.1 and 7 more transcripts); and 2 more; short protein forms R166fs, R363fs, R484fs, R432fs, R483fs, R133fs, R167fs, R362fs.
Identifiers: ClinVar variation 5031252 (VCV005031252.1).
Genomic context (GRCh38, chr9:132,906,128, plus strand): 5'-CAAAGCCTCCTCGAGGAACCACAGGCTCTGCCTCTGCTGTGGTGATCTCAGAAAGTTCTC[T>TAG]AGATATTGCAGCTGAGAGGAAGAGAGGAAACAAAAGAAATGGCAGTCGGTATTCCACCTG-3'

ClinVar aggregate classification (germline): Pathogenic (1 of 4 stars; one submission).

Conditions:
Hereditary cancer-predisposing syndrome. Also called: Neoplastic Syndromes, Hereditary; Tumor predisposition; Hereditary neoplastic syndrome; Hereditary Cancer Syndrome. Identifiers: Orphanet 140162, MedGen C0027672, MeSH D009386, MONDO:0015356.

Submission:

Ambry Genetics
Classification: Pathogenic for Hereditary cancer-predisposing syndrome. Last evaluated: 2026-08-17. Review status: criteria provided, single submitter. Criteria: Ambry Variant Classification Scheme 2023. Collection method: clinical testing. Allele origin: germline.
Comment: The c.1448_1449dupCT pathogenic mutation, located in coding exon 13 of the TSC1 gene, results from a duplication of CT at nucleotide position 1448, causing a translational frameshift with a predicted alternate stop codon (p.R484Lfs*49). This variant is considered to be rare based on population cohorts in the Genome Aggregation Database (gnomAD). This alteration is expected to result in loss of function by premature protein truncation or nonsense-mediated mRNA decay. As such, this alteration is interpreted as a disease-causing mutation.